The following is an entry in ClinVar:

NM_004655.4(AXIN2):c.1445C>T (p.Pro482Leu)

Gene: AXIN2 (axin 2; minus strand). Cytogenetic location: 17q24.1.
Variant type: single nucleotide variant.
Coding change: c.1445C>T on transcript NM_004655.4 (MANE Select); coding-DNA position 1445, C replaced by T.
Protein change: p.Pro482Leu; replaces proline 482 with leucine.
Molecular consequence: missense variant.
Genome position (GRCh38, 1-based): chr17:65,537,591, G>A on the plus strand (C>T on the coding strand, the complement: AXIN2 is on the minus strand). VCF-style: chr17-65537591-G-A. GRCh37 (hg19) VCF-style: chr17-63533709-G-A.
Other names: c.1445C>T (LRG_296t1); c.1445C>T, p.Pro482Leu (NM_001363813.1); short protein forms P482L.
Identifiers: ClinVar variation 569428 (VCV000569428.20), dbSNP rs758495825, ClinGen allele CA8718646.

ClinVar aggregate classification (germline): Uncertain significance. Review status: criteria provided, multiple submitters, no conflicts (2 of 4 stars). 7 submissions from 7 submitters: Uncertain significance (7). Last evaluated 2026-01-04.

Conditions:
Hereditary cancer-predisposing syndrome. Also called: Neoplastic Syndromes, Hereditary; Tumor predisposition; Hereditary Cancer Syndrome; Hereditary neoplastic syndrome. Identifiers: Orphanet 140162, MedGen C0027672, MeSH D009386, MONDO:0015356.
Oligodontia-cancer predisposition syndrome. Also called: TOOTH AGENESIS-COLORECTAL CANCER SYNDROME. Identifiers: Orphanet 300576, MedGen C1837750, MONDO:0012075, OMIM 608615. Disease mechanism: loss of function.
Colorectal cancer. Also called: Malignant Colorectal Neoplasm; Colorectal cancer, somatic. Identifiers: MedGen C0346629, MONDO:0005575, OMIM 114500.
AXIN2-related disorder.

Allele frequency attached by ClinVar (database versions not stated): ExAC 0.00001; gnomAD exomes 0.00001; TOPMed 0.00001; gnomAD 0.00002.
gnomAD v4.1: 15 of 1,605,256 alleles (0.00093%); highest among the groups gnomAD compares: Middle Eastern, 0.017%; no homozygotes.

Submissions (7):

Labcorp Genetics (formerly Invitae), Labcorp
Classification: Uncertain significance for Oligodontia-cancer predisposition syndrome. Last evaluated: 2026-01-04. Review status: criteria provided, single submitter. Criteria: Invitae Variant Classification Sherloc (09022015). Collection method: clinical testing. Allele origin: germline.
Comment: This sequence change replaces proline, which is neutral and non-polar, with leucine, which is neutral and non-polar, at codon 482 of the AXIN2 protein (p.Pro482Leu). This variant is present in population databases (rs758495825, gnomAD 0.004%). This variant has not been reported in the literature in individuals affected with AXIN2-related conditions. ClinVar contains an entry for this variant (Variation ID: 569428). An algorithm developed to predict the effect of missense changes on protein structure and function (PolyPhen-2) suggests that this variant is likely to be tolerated. In summary, the available evidence is currently insufficient to determine the role of this variant in disease. Therefore, it has been classified as a Variant of Uncertain Significance.

Ambry Genetics
Classification: Uncertain significance for Hereditary cancer-predisposing syndrome. Last evaluated: 2025-10-29. Review status: criteria provided, single submitter. Criteria: Ambry Variant Classification Scheme 2023. Collection method: clinical testing. Allele origin: germline.
Comment: The p.P482L variant (also known as c.1445C>T), located in coding exon 5 of the AXIN2 gene, results from a C to T substitution at nucleotide position 1445. The proline at codon 482 is replaced by leucine, an amino acid with similar properties. This amino acid position is well conserved in available vertebrate species. In addition, this alteration is predicted to be tolerated by in silico analysis. Since supporting evidence is limited at this time, the clinical significance of this alteration remains unclear.

PreventionGenetics, part of Exact Sciences
Classification: Uncertain significance for AXIN2-related condition. Last evaluated: 2025-08-13. Review status: criteria provided, single submitter. Criteria: ACMG Guidelines, 2015. Collection method: clinical testing. Allele origin: germline.
Comment: The AXIN2 c.1445C>T variant is predicted to result in the amino acid substitution p.Pro482Leu. To our knowledge, this variant has not been reported in the literature. This variant is reported in 0.0042% of alleles in individuals of African descent in gnomAD and is reported as uncertain in ClinVar (Variation ID: 569428). At this time, the clinical significance of this variant is uncertain due to the absence of conclusive functional and genetic evidence.

Molecular Pathology, Peter Maccallum Cancer Centre
Classification: Uncertain significance for Oligodontia-cancer predisposition syndrome. Last evaluated: 2024-06-07. Review status: criteria provided, single submitter. Criteria: ACMG Guidelines, 2015. Collection method: clinical testing. Allele origin: germline. Inheritance: Autosomal dominant inheritance.

GeneDx
Classification: Uncertain significance. Last evaluated: 2023-12-12. Review status: criteria provided, single submitter. Criteria: GeneDx Variant Classification Process June 2021. Collection method: clinical testing. Allele origin: germline.
Comment: Not observed at significant frequency in large population cohorts (gnomAD); In silico analysis supports that this missense variant does not alter protein structure/function; Has not been previously published as pathogenic or benign to our knowledge

Baylor Genetics
Classification: Uncertain significance for Colorectal cancer. Last evaluated: 2023-09-10. Review status: criteria provided, single submitter. Criteria: ACMG Guidelines, 2015. Collection method: clinical testing. Allele origin: unknown.

Sema4
Classification: Uncertain significance for Hereditary cancer-predisposing syndrome. Last evaluated: 2021-08-18. Review status: criteria provided, single submitter. Criteria: Sema4 Curation Guidelines. Collection method: curation. Allele origin: germline.
Comment: The AXIN2 c.1445C>T (p.P482L) variant has not been reported in the literature to our knowledge. It was observed in 5/264342 chromosomes of the large and broad cohorts of the Genome Aggregation Database (PMID: 32461654). This variant has been reported in ClinVar (Variation ID 569428). In silico tools suggest the impact of the variant on protein function is benign, though these predictions have not been confirmed by functional studies. The evidence is insufficient to meet ACMG/AMP criteria for classifying the variant as benign or pathogenic. Thus, the clinical significance of this variant is currently uncertain.